The following is an entry in ClinVar:

NM_138425.4(C12orf57):c.4del (p.Ala2fs)

Gene: C12orf57 (chromosome 12 open reading frame 57; plus strand). Cytogenetic location: 12p13.31.
Variant type: Deletion.
Coding change: c.4del on transcript NM_138425.4 (MANE Select); coding-DNA position 4, one base deleted (G; older notation c.4delG).
Protein change: p.Ala2fs; shifts the reading frame from alanine 2.
Molecular consequence: frameshift variant, initiator codon variant. On other transcripts: 5 prime UTR variant (1), non-coding transcript variant (1), intron variant (1).
Genome position (GRCh38, 1-based): chr12:6,944,125, G deleted; the last of 2 consecutive G bases (chr12:6,944,124-6,944,125); deleting either gives the same sequence. VCF-style (leftmost placement, unchanged base first): chr12-6944123-TG-T. GRCh37 (hg19) VCF-style: chr12-7053286-TG-T.
Other names: c.4del, p.Ala2fs (NM_001301834.1, NM_001301837.2); c.-198del (NM_001301838.2); c.14-351del (NM_001301836.2); short protein forms A2fs.
Identifiers: ClinVar variation 2859820 (VCV002859820.3), dbSNP rs1359105410, ClinGen allele CA603487305.
Genomic context (GRCh38, chr12:6,944,123, plus strand): 5'-GGCTCTTTATTCGTGAGTTTTCCATTTACCTCCGCTGAACCTAGAGCTTCAGACGCCCTA[TG>T]GCGTCCGCCTCGACCCAACCGGCGGCCTTGAGCGCTGAGCAAGCAAAGGGTGAGAATCGT-3'

ClinVar aggregate classification (germline): Pathogenic (1 of 4 stars; one submission).

Conditions:
Temtamy syndrome (TEMTYS). Also called: MENTAL RETARDATION WITH OR WITHOUT CRANIOFACIAL DYSMORPHISM, OCULAR COLOBOMA, OR ABNORMAL CORPUS CALLOSUM. Identifiers: Orphanet 1777, MedGen C1857512, MONDO:0009033, OMIM 218340.

Submission:

Labcorp Genetics (formerly Invitae), Labcorp
Classification: Pathogenic for Temtamy syndrome. Last evaluated: 2025-12-01. Review status: criteria provided, single submitter. Criteria: Invitae Variant Classification Sherloc (09022015). Collection method: clinical testing. Allele origin: germline.
Comment: This sequence change creates a premature translational stop signal (p.Ala2Argfs*10) in the C12orf57 gene. It is expected to result in an absent or disrupted protein product. Loss-of-function variants in C12orf57 are known to be pathogenic (PMID: 23453665, 24798461). This variant is present in population databases (no rsID available, gnomAD 0.008%). This variant has not been reported in the literature in individuals affected with C12orf57-related conditions. ClinVar contains an entry for this variant (Variation ID: 2859820). For these reasons, this variant has been classified as Pathogenic.

Literature cited by the submitters: PubMed 23453665; PubMed 24798461.